The following is an entry in ClinVar:

ClinVar aggregate classification (germline): Conflicting classifications of pathogenicity. Review status: criteria provided, conflicting classifications (1 of 4 stars). 4 submissions from 4 submitters: Uncertain significance (1); Likely benign (3). Last evaluated 2026-04-01.

Conditions:
Inborn genetic diseases. Identifiers: MedGen C0950123, MeSH D030342.
Neurodevelopmental disorder with movement abnormalities, abnormal gait, and autistic features. Identifiers: MedGen C4693405, MONDO:0060642, OMIM 617865.

Allele frequency attached by ClinVar (database versions not stated): gnomAD 0.00001; gnomAD exomes 0.00003 and 0.00014; TOPMed 0.00009.
gnomAD v4.1: 44 of 1,551,732 alleles (0.0028%); highest among the groups gnomAD compares: Admixed American, 0.051%; no homozygotes.

Submissions (4):

CeGaT Center for Human Genetics Tuebingen
Classification: Likely benign. Last evaluated: 2026-04-01. Review status: criteria provided, single submitter. Criteria: CeGaT Center For Human Genetics Tuebingen Variant Classification Criteria Version 2. Collection method: clinical testing. Allele origin: germline. Affected: yes. Observed: 1 variant allele.
Comment: ZSWIM6: BS2

Labcorp Genetics (formerly Invitae), Labcorp
Classification: Likely benign. Last evaluated: 2026-01-12. Review status: criteria provided, single submitter. Criteria: Invitae Variant Classification Sherloc (09022015). Collection method: clinical testing. Allele origin: germline.

Ambry Genetics
Classification: Likely benign for Inborn genetic diseases. Last evaluated: 2022-12-20. Review status: criteria provided, single submitter. Criteria: Ambry Variant Classification Scheme 2023. Collection method: clinical testing. Allele origin: germline.

Institute of Human Genetics, University of Leipzig Medical Center
Classification: Uncertain significance for Neurodevelopmental disorder with movement abnormalities, abnormal gait, and autistic features. Last evaluated: 2016-12-02. Review status: criteria provided, single submitter. Criteria: ACMG Guidelines, 2015. Collection method: clinical testing. Allele origin: germline. Affected: yes. Observed: 1 variant allele.

NM_020928.2(ZSWIM6):c.3230C>T (p.Ala1077Val)

Gene: ZSWIM6 (zinc finger SWIM-type containing 6; plus strand). Cytogenetic location: 5q12.1.
Variant type: single nucleotide variant.
Coding change: c.3230C>T on transcript NM_020928.2 (MANE Select); coding-DNA position 3230, C replaced by T.
Protein change: p.Ala1077Val; replaces alanine 1077 with valine.
Molecular consequence: missense variant.
Genome position (GRCh38, 1-based): chr5:61,543,899, C>T. VCF-style: chr5-61543899-C-T. GRCh37 (hg19) VCF-style: chr5-60839726-C-T.
Other names: short protein forms A1077V.
Identifiers: ClinVar variation 778321 (VCV000778321.12), dbSNP rs896504353, ClinGen allele CA119664266.